The following is an entry in ClinVar:

NM_144701.3(IL23R):c.1421T>C (p.Val474Ala)

Gene: IL23R (interleukin 23 receptor; plus strand). Cytogenetic location: 1p31.3.
Variant type: single nucleotide variant.
Coding change: c.1421T>C on transcript NM_144701.3 (MANE Select); coding-DNA position 1421, T replaced by C.
Protein change: p.Val474Ala; replaces valine 474 with alanine.
Molecular consequence: missense variant.
Genome position (GRCh38, 1-based): chr1:67,258,659, T>C. VCF-style: chr1-67258659-T-C. GRCh37 (hg19) VCF-style: chr1-67724342-T-C.
Other names: short protein forms V474A.
Identifiers: ClinVar variation 1923310 (VCV001923310.5), dbSNP rs781688541, ClinGen allele CA900019.
Genomic context (GRCh38, chr1:67,258,659, plus strand): 5'-ATACAGGACCCCTGGAGACAAGAGACTACCCGCAAAACTCGCTATTCGACAATACTACAG[T>C]TGTATATATTCCTGATCTCAACACTGGATATAAACCCCAAATTTCAAATTTTCTGCCTGA-3'
Protein context (NP_653302.2, residues 464-484): PQNSLFDNTT[Val474Ala]VYIPDLNTGY

ClinVar aggregate classification (germline): Uncertain significance (1 of 4 stars; one submission).

Allele frequency attached by ClinVar (database versions not stated): ExAC 0.00001; gnomAD 0.00001; gnomAD exomes 0.00002; TOPMed 0.00002.
gnomAD v4.1: 38 of 1,613,866 alleles (0.0024%); highest among the groups gnomAD compares: Non-Finnish European, 0.003%; no homozygotes.

Submission:

Labcorp Genetics (formerly Invitae), Labcorp
Classification: Uncertain significance. Last evaluated: 2024-06-17. Review status: criteria provided, single submitter. Criteria: Invitae Variant Classification Sherloc (09022015). Collection method: clinical testing. Allele origin: germline.
Comment: This sequence change replaces valine, which is neutral and non-polar, with alanine, which is neutral and non-polar, at codon 474 of the IL23R protein (p.Val474Ala). This variant is present in population databases (rs781688541, gnomAD 0.002%). This variant has not been reported in the literature in individuals affected with IL23R-related conditions. ClinVar contains an entry for this variant (Variation ID: 1923310). An algorithm developed to predict the effect of missense changes on protein structure and function (PolyPhen-2) suggests that this variant is likely to be disruptive. In summary, the available evidence is currently insufficient to determine the role of this variant in disease. Therefore, it has been classified as a Variant of Uncertain Significance.